The following is an entry in ClinVar:

NM_145649.5(GCNT2):c.926-34473G>T

Gene: GCNT2 (glucosaminyl (N-acetyl) transferase 2 (I blood group); plus strand). Cytogenetic location: 6p24.3.
Variant type: single nucleotide variant.
Coding change: c.926-34473G>T on transcript NM_145649.5 (MANE Select); 34473 bases into the intron before coding-DNA position 926, G replaced by T.
Molecular consequence: intron variant. On other transcripts: missense variant (1).
Genome position (GRCh38, 1-based): chr6:10,586,878, G>T. VCF-style: chr6-10586878-G-T. GRCh37 (hg19) VCF-style: chr6-10587111-G-T.
Other names: c.889G>T, p.Asp297Tyr (NM_145655.4); c.926-34473G>T (NM_001374747.1); c.919+29536G>T (NM_001491.3); short protein forms D297Y.
Identifiers: ClinVar variation 4999513 (VCV004999513.1).

ClinVar aggregate classification (germline): Uncertain significance (1 of 4 stars; one submission).

Conditions:
GCNT2-related disorder. Also called: GCNT2-related condition.

Submission:

PreventionGenetics, part of Exact Sciences
Classification: Uncertain significance for GCNT2-related condition. Last evaluated: 2025-01-02. Review status: criteria provided, single submitter. Criteria: ACMG Guidelines, 2015. Collection method: clinical testing. Allele origin: germline.
Comment: The GCNT2 c.889G>T variant is predicted to result in the amino acid substitution p.Asp297Tyr. In the GCNT2 transcript that is specific to the lens of the eye (NM_001491.2), this variant is found within an intronic region (c.919+29536G>T). To our knowledge, this variant has not been reported in the literature. This variant is reported in 0.00088% of alleles in individuals of European (Non-Finnish) descent in gnomAD. At this time, the clinical significance of this variant is uncertain due to the absence of conclusive functional and genetic evidence.